The following is an entry in ClinVar:

ClinVar aggregate classification (germline): Uncertain significance (1 of 4 stars; one submission).

Conditions:
Polycystic kidney disease, adult type (PKD1). Also called: Polycystic Kidney, Autosomal Dominant; POLYCYSTIC KIDNEY DISEASE, ADULT, TYPE I; Polycystic Kidney Disease 1, Autosomal Dominant; Polycystic kidney disease 1; Polycystic kidney disease 1, severe; POLYCYSTIC KIDNEY DISEASE 1 WITH OR WITHOUT POLYCYSTIC LIVER DISEASE. Identifiers: MedGen C3149841, MONDO:0008263, OMIM 173900.

gnomAD v4.1: 7 of 1,563,290 alleles (0.00045%); highest among the groups gnomAD compares: Non-Finnish European, 0.00061%; no homozygotes.

Submission:

Victorian Clinical Genetics Services, Murdoch Childrens Research Institute
Classification: Uncertain significance for Polycystic kidney disease, adult type. Last evaluated: 2024-11-14. Review status: criteria provided, single submitter. Criteria: ACMG Guidelines, 2015. Collection method: clinical testing. Allele origin: germline. Affected: yes.
Comment: This variant is classified as VUS-3C. Evidence in support of pathogenic classification: Variant is present in gnomAD <0.001 for a dominant condition (v4: 7 heterozygote(s), 0 homozygote(s)). Additional information: Variant is predicted to result in a missense amino acid change from histidine to tyrosine; This variant is heterozygous; This gene is associated with autosomal dominant disease. Polycystic kidney disease 1 (MIM#173900) is predominantly caused by monoallelic variants, with rare reports of biallelic variants causing disease (OMIM); Multiple alternative amino acid changes at the same position have been observed in gnomAD (v4) (highest allele count: 9 heterozygote(s), 0 homozygote(s)); This variant has no previous evidence of pathogenicity; No published segregation evidence has been identified for this variant; No published functional evidence has been identified for this variant; Other missense variants comparable to the one identified in this case have inconclusive previous evidence for pathogenicity. The variants p.(His2172Asp) and p.(His2172Arg) have been classified as VUS by clinical laboratories (ClinVar); Variant is located in the annotated REJ domain (DECIPHER) - Missense variant with an inconclusive in silico prediction and uninformative conservation; Loss of function is a known mechanism of disease in this gene and is associated with polycystic kidney disease 1 (MIM#173900); Inheritance information for this variant is not currently available in this individual.

NM_001009944.3(PKD1):c.6514C>T (p.His2172Tyr)

Gene: PKD1 (polycystin 1, transient receptor potential channel interacting; minus strand). Cytogenetic location: 16p13.3.
Variant type: single nucleotide variant.
Coding change: c.6514C>T on transcript NM_001009944.3 (MANE Select); coding-DNA position 6514, C replaced by T.
Protein change: p.His2172Tyr; replaces histidine 2172 with tyrosine.
Molecular consequence: missense variant.
Genome position (GRCh38, 1-based): chr16:2,108,653, G>A on the plus strand (C>T on the coding strand, the complement: PKD1 is on the minus strand). VCF-style: chr16-2108653-G-A. GRCh37 (hg19) VCF-style: chr16-2158654-G-A.
Other names: c.6514C>T, p.His2172Tyr (NM_000296.4); short protein forms H2172Y.
Identifiers: ClinVar variation 4531565 (VCV004531565.1).